The following is an entry in ClinVar:

ClinVar aggregate classification (germline): Uncertain significance (1 of 4 stars; one submission).

Conditions:
Developmental and epileptic encephalopathy, 36 (DEE36). Also called: Epileptic encephalopathy, early infantile, 36; Congenital disorder of glycosylation, type Is; ALG13-CDG. Identifiers: Orphanet 324422, MedGen C4317295, MONDO:0010472, OMIM 300884.

Submission:

Labcorp Genetics (formerly Invitae), Labcorp
Classification: Uncertain significance for Developmental and epileptic encephalopathy, 36. Last evaluated: 2024-02-20. Review status: criteria provided, single submitter. Criteria: Invitae Variant Classification Sherloc (09022015). Collection method: clinical testing. Allele origin: germline.
Comment: This variant, c.2815_2835del, results in the deletion of 7 amino acid(s) of the ALG13 protein (p.Pro939_Pro945del), but otherwise preserves the integrity of the reading frame. This variant is not present in population databases (gnomAD no frequency). This variant has not been reported in the literature in individuals affected with ALG13-related conditions. Experimental studies and prediction algorithms are not available or were not evaluated, and the functional significance of this variant is currently unknown. In summary, the available evidence is currently insufficient to determine the role of this variant in disease. Therefore, it has been classified as a Variant of Uncertain Significance.

NM_001099922.3(ALG13):c.2797CCT[6] (p.Pro939_Pro945del)

Gene: ALG13 (ALG13 UDP-N-acetylglucosaminyltransferase subunit; plus strand). Cytogenetic location: Xq23.
Variant type: Microsatellite.
Coding change: c.2797CCT[6] on transcript NM_001099922.3 (MANE Select); six copies in a row of the 3-base unit CCT starting at c.2797; the reference has 13 copies in a row; seven copies, 21 bases deleted.
Protein change: p.Pro939_Pro945del.
Molecular consequence: inframe deletion. On other transcripts: intron variant (5).
Genome position (GRCh38, 1-based): chrX:111,744,787-111,744,807, CCTCCTCCTCCTCCTCCTCCT deleted; deleting any 21 consecutive bases within chrX:111,744,769-111,744,807 gives the same sequence; the position shown is the placement nearest the transcript's 3' end. VCF-style (leftmost placement, unchanged base first): chrX-111744768-ACCTCCTCCTCCTCCTCCTCCT-A. GRCh37 (hg19) VCF-style: chrX-110987996-ACCTCCTCCTCCTCCTCCTCCT-A.
Other names: c.2563CCT[6], p.Pro861_Pro867del (NM_001257231.2); c.2383+7890CCT[6] (NM_001257237.2, NM_001257234.2, NM_001257230.2); c.2209+7890CCT[6] (NM_001324293.1); c.2695+7890CCT[6] (NM_001324292.2).
Identifiers: ClinVar variation 2737801 (VCV002737801.3), dbSNP rs56717389, ClinGen allele CA2579681685.